The following is an entry in ClinVar:

ClinVar aggregate classification (germline): Uncertain significance (1 of 4 stars; one submission).

Conditions:
Ataxia-telangiectasia syndrome (AT). Also called: Ataxia-telangiectasia, complementation group D; AT, COMPLEMENTATION GROUP C; ATAXIA-TELANGIECTASIA, COMPLEMENTATION GROUP A; ATAXIA-TELANGIECTASIA, FRESNO VARIANT; Ataxia telangiectasia (A-T); Ataxia-telangiectasia. Identifiers: Orphanet 100, MedGen C0004135, MONDO:0008840, OMIM 208900.

Submission:

Labcorp Genetics (formerly Invitae), Labcorp
Classification: Uncertain significance for Ataxia-telangiectasia syndrome. Last evaluated: 2022-02-18. Review status: criteria provided, single submitter. Criteria: Invitae Variant Classification Sherloc (09022015). Collection method: clinical testing. Allele origin: germline.
Comment: This variant is not present in population databases (gnomAD no frequency). In summary, the available evidence is currently insufficient to determine the role of this variant in disease. Therefore, it has been classified as a Variant of Uncertain Significance. Advanced modeling of protein sequence and biophysical properties (such as structural, functional, and spatial information, amino acid conservation, physicochemical variation, residue mobility, and thermodynamic stability) performed at Invitae indicates that this missense variant is not expected to disrupt ATM protein function. This variant has not been reported in the literature in individuals affected with ATM-related conditions. This sequence change replaces histidine, which is basic and polar, with aspartic acid, which is acidic and polar, at codon 636 of the ATM protein (p.His636Asp).

NM_000051.4(ATM):c.1906C>G (p.His636Asp)

Gene: ATM (ATM serine/threonine kinase; plus strand). Cytogenetic location: 11q22.3.
Variant type: single nucleotide variant.
Coding change: c.1906C>G on transcript NM_000051.4 (MANE Select); coding-DNA position 1906, C replaced by G.
Protein change: p.His636Asp; replaces histidine 636 with aspartic acid.
Molecular consequence: missense variant.
Genome position (GRCh38, 1-based): chr11:108,253,821, C>G. VCF-style: chr11-108253821-C-G. GRCh37 (hg19) VCF-style: chr11-108124548-C-G.
Other names: c.1906C>G, p.His636Asp (NM_001351834.2); short protein forms H636D.
Identifiers: ClinVar variation 2098177 (VCV002098177.4), dbSNP rs786203654, ClinGen allele CA382536301.
Genomic context (GRCh38, chr11:108,253,821, plus strand): 5'-AGGCAAAGCATTAGGTACTTGGTTTATATATTAAAGATCTTACTTTCTTGAAGTGAACAC[C>G]ACCAAAAAGATAAAGAAGAACTTTCATTCTCAGAAGTAGAAGAACTATTTCTTCAGACAA-3'
Protein context (NP_000042.3, residues 626-646): FFQSVPECEH[His636Asp]QKDKEELSFS